The following is an entry in ClinVar:

NM_005188.4(CBL):c.747+1G>A

Gene: CBL (Cbl proto-oncogene; plus strand). Cytogenetic location: 11q23.3.
Variant type: single nucleotide variant.
Coding change: c.747+1G>A on transcript NM_005188.4 (MANE Select); the canonical splice donor site of the intron after coding-DNA position 747, G replaced by A.
Molecular consequence: splice donor variant.
Genome position (GRCh38, 1-based): chr11:119,274,025, G>A. VCF-style: chr11-119274025-G-A. GRCh37 (hg19) VCF-style: chr11-119144735-G-A.
Identifiers: ClinVar variation 3652399 (VCV003652399.2).
Genomic context (GRCh38, chr11:119,274,025, plus strand): 5'-CTGACCTGCAATGATTATATTTCGGTTTTTGAATTTGACATCTTTACCCGACTCTTTCAG[G>A]TAGGACACTAAAAAAGTTGACTAAACTGGTTACTGCTACTTCGGTGAAGAGAAAGCTTTT-3'

ClinVar aggregate classification (germline): Uncertain significance (1 of 4 stars; one submission).

Conditions:
RASopathy. Also called: Noonan spectrum disorder; rasopathies. Identifiers: Orphanet 536391, MedGen C5555857, MONDO:0021060.

Submission:

Labcorp Genetics (formerly Invitae), Labcorp
Classification: Uncertain significance for RASopathy. Last evaluated: 2025-03-26. Review status: criteria provided, single submitter. Criteria: Invitae Variant Classification Sherloc (09022015). Collection method: clinical testing. Allele origin: germline.
Comment: This sequence change affects a donor splice site in intron 4 of the CBL gene. It is expected to disrupt RNA splicing. Variants that disrupt the donor or acceptor splice site typically lead to a loss of protein function (PMID: 16199547), however the current clinical and genetic evidence is not sufficient to establish whether loss-of-function variants in CBL cause disease. This variant is not present in population databases (gnomAD no frequency). This variant has not been reported in the literature in individuals affected with CBL-related conditions. Algorithms developed to predict the effect of sequence changes on RNA splicing suggest that this variant may disrupt the consensus splice site. In summary, the available evidence is currently insufficient to determine the role of this variant in disease. Therefore, it has been classified as a Variant of Uncertain Significance.

Literature cited by the submitters: PubMed 16199547.